The following is an entry in ClinVar:

NM_004629.2(FANCG):c.-392A>G

Gene: FANCG (FA complementation group G; minus strand). Cytogenetic location: 9p13.3.
Variant type: single nucleotide variant.
Coding change: c.-392A>G on transcript NM_004629.2 (MANE Select); 392 bases upstream of the start codon, A replaced by G.
Molecular consequence: 5 prime UTR variant.
Genome position (GRCh38, 1-based): chr9:35,079,916, T>C on the plus strand (A>G on the coding strand, the complement: FANCG is on the minus strand). VCF-style: chr9-35079916-T-C. GRCh37 (hg19) VCF-style: chr9-35079913-T-C.
Identifiers: ClinVar variation 366742 (VCV000366742.8), dbSNP rs10972302, ClinGen allele CA10633935.

ClinVar aggregate classification (germline): Benign. Review status: criteria provided, multiple submitters, no conflicts (2 of 4 stars). 3 submissions from 3 submitters: Benign (3). Last evaluated 2019-02-24.

Conditions:
Fanconi anemia complementation group G. Also called: Fanconi anemia group G; FANCG-Related Fanconi Anemia. Identifiers: Orphanet 84, MedGen C3469527, MONDO:0013565, OMIM 614082.

Allele frequency attached by ClinVar (database versions not stated): gnomAD 0.06369 and 0.07001; TOPMed 0.07188; gnomAD exomes 0.08968; 1000 Genomes Project 30x 0.12180; 1000 Genomes Project 0.12580.

Submissions (3):

GeneDx
Classification: Benign. Last evaluated: 2019-02-24. Review status: criteria provided, single submitter. Criteria: GeneDx Variant Classification Process June 2021. Collection method: clinical testing. Allele origin: germline. Affected: yes.

Illumina Laboratory Services, Illumina
Classification: Benign for Fanconi anemia complementation group G. Last evaluated: 2018-01-13. Review status: criteria provided, single submitter. Criteria: ICSL Variant Classification Criteria 13 December 2019. Collection method: clinical testing. Allele origin: germline.
Comment: This variant was observed in the ICSL laboratory as part of a predisposition screen in an ostensibly healthy population. It had not been previously curated by ICSL or reported in the Human Gene Mutation Database (HGMD: prior to June 1st, 2018), and was therefore a candidate for classification through an automated scoring system. Utilizing variant allele frequency, disease prevalence and penetrance estimates, and inheritance mode, an automated score was calculated to assess if this variant is too frequent to cause the disease. Based on the score and internal cut-off values, a variant classified as benign is not then subjected to further curation. The score for this variant resulted in a classification of benign for this disease.

Breakthrough Genomics
Classification: Benign. Review status: criteria provided, single submitter. Criteria: ACMG Guidelines, 2015. Collection method: not provided. Allele origin: germline. Inheritance: Autosomal recessive inheritance. Affected: yes.